The following is an entry in ClinVar:

ClinVar aggregate classification (germline): Benign/Likely benign. Review status: criteria provided, multiple submitters, no conflicts (2 of 4 stars). 8 submissions from 8 submitters: Benign (3); Likely benign (4). 1 of the submissions does not count toward it. Last evaluated 2026-08-01.

Conditions:
Congenital hyperammonemia, type I. Also called: Carbamoyl-phosphate synthase I deficiency; Carbamoyl phosphate synthetase I deficiency disease; CPS I DEFICIENCY; Carbamoyl phosphate synthetase 1 deficiency; Hyperammonemia due to carbamoyl phosphate synthetase 1 deficiency; CPS 1 deficiency. Identifiers: Orphanet 147, MedGen C4082171, MONDO:0009376, OMIM 237300.

Submissions (8):

CeGaT Center for Human Genetics Tuebingen
Classification: Likely benign. Last evaluated: 2026-08-01. Review status: criteria provided, single submitter. Criteria: CeGaT Center For Human Genetics Tuebingen Variant Classification Criteria Version 2. Collection method: clinical testing. Allele origin: germline. Affected: yes. Observed: 7 variant alleles.
Comment: CPS1: BS2

Labcorp Genetics (formerly Invitae), Labcorp
Classification: Benign for Congenital hyperammonemia, type I. Last evaluated: 2026-02-04. Review status: criteria provided, single submitter. Criteria: Invitae Variant Classification Sherloc (09022015). Collection method: clinical testing. Allele origin: germline.

Blueprint Genetics
Classification: Likely benign. Last evaluated: 2024-11-26. Review status: criteria provided, single submitter. Criteria: ACMG Guidelines, 2015. Collection method: clinical testing. Allele origin: germline.

Mayo Clinic Laboratories, Mayo Clinic
Classification: Benign. Last evaluated: 2022-08-31. Review status: criteria provided, single submitter. Criteria: ACMG Guidelines, 2015. Collection method: clinical testing. Allele origin: germline. Observed: 2 variant alleles.
Comment: BA1, BP4, BP7

GeneDx
Classification: Likely benign. Last evaluated: 2018-04-26. Review status: criteria provided, single submitter. Criteria: GeneDx Variant Classification Process June 2021. Collection method: clinical testing. Allele origin: germline. Affected: yes.
Comment: This variant is associated with the following publications: (PMID: 18666241)

Women's Health and Genetics/Laboratory Corporation of America, LabCorp
Classification: Benign. Last evaluated: 2017-05-14. Review status: criteria provided, single submitter. Criteria: LabCorp Variant Classification Summary - May 2015. Collection method: clinical testing. Allele origin: germline.
Comment: Variant summary: c.3141+15delA in CPS1 gene is an intronic change that involves a non-conserved nucleotide. 5/5 programs in Alamut predict that this do not affect a normal splicing, however no functional studies supporting this notion were published at the time of evaluation. The variant is present in the control population dataset of ExAC at frequency of 0.007693 (831/108016chrs tested), predominantly in individuals of European descent (0.01209; 715/ 59126 chrs tested), including two homozygous occurrences. The observed frequencies exceed the maximum expected allele frequency for a pathogenic variant of 0.0015%, suggesting that it is a benign polymorphism. The variant of interest has been reported as Benign by a reputable database/clinical laboratory. Taking together, based on the prevalence of this variant in general population the variant was classified as Benign.

Center for Pediatric Genomic Medicine, Children's Mercy Hospital and Clinics
Classification: Likely benign. Last evaluated: 2017-04-24. Review status: criteria provided, single submitter. Criteria: ACMG Guidelines, 2015. Collection method: clinical testing. Allele origin: germline.

Natera, Inc.
Classification: Benign for Carbamoyl-phosphate synthase I deficiency. Last evaluated: 2019-09-27. Review status: no assertion criteria provided. Collection method: clinical testing. Allele origin: germline. Not counted in ClinVar's aggregate classification.

Literature cited by the submitters: PubMed 18666241 (cited by Women's Health and Genetics/Laboratory Corporation of America, LabCorp).

NM_001875.5(CPS1):c.3141+15del

Gene: CPS1 (carbamoyl-phosphate synthase 1; plus strand). Cytogenetic location: 2q34.
Variant type: Deletion.
Coding change: c.3141+15del on transcript NM_001875.5 (MANE Select); 15 bases into the intron after coding-DNA position 3141, one base deleted (A; older notation c.3141+15delA).
Molecular consequence: intron variant.
Genome position (GRCh38, 1-based): chr2:210,642,680, A deleted; the last of 5 consecutive A bases (chr2:210,642,676-210,642,680); deleting any one gives the same sequence. VCF-style (leftmost placement, unchanged base first): chr2-210642675-GA-G. GRCh37 (hg19) VCF-style: chr2-211507399-GA-G.
Other names: p.?; c.3141+15del (LRG_336t1, NM_001369257.1, NM_001122633.3); c.3174+15del (NM_001369256.1); c.3141+15delA (NM_001875.4).
Identifiers: ClinVar variation 334030 (VCV000334030.47), dbSNP rs577707531, ClinGen allele CA2086838.